The following is an entry in ClinVar:

NM_177438.3(DICER1):c.3265T>G (p.Phe1089Val)

Gene: DICER1 (dicer 1, ribonuclease III; minus strand). Cytogenetic location: 14q32.13.
Variant type: single nucleotide variant.
Coding change: c.3265T>G on transcript NM_177438.3 (MANE Select); coding-DNA position 3265, T replaced by G.
Protein change: p.Phe1089Val; replaces phenylalanine 1089 with valine.
Molecular consequence: missense variant. On other transcripts: non-coding transcript variant (6).
Genome position (GRCh38, 1-based): chr14:95,105,075, A>C on the plus strand (T>G on the coding strand, the complement: DICER1 is on the minus strand). VCF-style: chr14-95105075-A-C. GRCh37 (hg19) VCF-style: chr14-95571412-A-C.
Other names: c.3265T>G, p.Phe1089Val (NM_001195573.1, NM_001271282.3, NM_001291628.2 and 12 more transcripts); c.2983T>G, p.Phe995Val (NM_001395686.1); c.2860T>G, p.Phe954Val (NM_001395687.1, NM_001395688.1, NM_001395689.1 and 2 more transcripts); c.2698T>G, p.Phe900Val (NM_001395691.1); c.1582T>G, p.Phe528Val (NM_001395697.1); short protein forms F528V, F900V, F954V, F995V, F1089V.
Identifiers: ClinVar variation 4637301 (VCV004637301.1).
Genomic context (GRCh38, chr14:95,105,075, plus strand): 5'-TTTTGCAAACAGGATCTCATGATCTGTGTTCTTTCTGGCTGACTGCACAGGCATACCTAA[A>C]ATCCGCAGGAAGTGATCTGACTCCCACGCCAGCATCGCTGGCAGTCTGGGCTCTTAGCTC-3'
Protein context (NP_803187.1, residues 1079-1099): GVGVRSLPAD[Phe1089Val]RYPNLDFGWK

ClinVar aggregate classification (germline): Uncertain significance (1 of 4 stars; one submission).

Conditions:
Hereditary cancer-predisposing syndrome. Also called: Neoplastic Syndromes, Hereditary; Tumor predisposition; Hereditary Cancer Syndrome; Hereditary neoplastic syndrome. Identifiers: Orphanet 140162, MedGen C0027672, MeSH D009386, MONDO:0015356.

Submission:

Ambry Genetics
Classification: Uncertain significance for Hereditary cancer-predisposing syndrome. Last evaluated: 2025-10-25. Review status: criteria provided, single submitter. Criteria: Ambry Variant Classification Scheme 2023. Collection method: clinical testing. Allele origin: germline.
Comment: The p.F1089V variant (also known as c.3265T>G), located in coding exon 19 of the DICER1 gene, results from a T to G substitution at nucleotide position 3265. The phenylalanine at codon 1089 is replaced by valine, an amino acid with highly similar properties. This amino acid position is conserved. In addition, this alteration is predicted to be deleterious by in silico analysis. Based on the available evidence, the clinical significance of this variant remains unclear.